The following is an entry in ClinVar:

NM_000183.3(HADHB):c.255-2A>G

Gene: HADHB (hydroxyacyl-CoA dehydrogenase trifunctional multienzyme complex subunit beta; plus strand). Cytogenetic location: 2p23.3.
Variant type: single nucleotide variant.
Coding change: c.255-2A>G on transcript NM_000183.3 (MANE Select); the canonical splice acceptor site of the intron before coding-DNA position 255, A replaced by G.
Molecular consequence: splice acceptor variant.
Genome position (GRCh38, 1-based): chr2:26,273,649, A>G. VCF-style: chr2-26273649-A-G. GRCh37 (hg19) VCF-style: chr2-26496517-A-G.
Other names: c.189-2A>G (NM_001281513.2); c.210-2A>G (NM_001281512.2).
Identifiers: ClinVar variation 844215 (VCV000844215.9), dbSNP rs1220650950, ClinGen allele CA346091709.
Genomic context (GRCh38, chr2:26,273,649, plus strand): 5'-GATGATCTCTGGCACTGCCTTGATGTGTGAAATGTTTCTTTGCTTTGGATTTCTACTTCC[A>G]GGGGTTTGTTGCATCGGACCAGTGTCCCTAAGGAAGTAGTTGATTATATCATCTTTGGTA-3'

ClinVar aggregate classification (germline): Pathogenic/Likely pathogenic. Review status: criteria provided, multiple submitters, no conflicts (2 of 4 stars). 2 submissions from 2 submitters: Pathogenic (1); Likely pathogenic (1). Last evaluated 2025-01-15.

Conditions:
Mitochondrial trifunctional protein deficiency. Identifiers: Orphanet 746, MedGen C1969443, MONDO:0012172.

Allele frequency attached by ClinVar (database versions not stated): TOPMed below 0.00001; gnomAD 0.00001; gnomAD exomes 0.00001.
gnomAD v4.1: 6 of 1,537,124 alleles (0.00039%); highest among the groups gnomAD compares: African/African-American, 0.0041%; no homozygotes.

Submissions (2):

Labcorp Genetics (formerly Invitae), Labcorp
Classification: Pathogenic for Mitochondrial trifunctional protein deficiency. Last evaluated: 2025-01-15. Review status: criteria provided, single submitter. Criteria: Invitae Variant Classification Sherloc (09022015). Collection method: clinical testing. Allele origin: germline.
Comment: This sequence change affects an acceptor splice site in intron 5 of the HADHB gene. It is expected to disrupt RNA splicing. Variants that disrupt the donor or acceptor splice site typically lead to a loss of protein function (PMID: 16199547), and loss-of-function variants in HADHB are known to be pathogenic (PMID: 9259266, 12754706). This variant is not present in population databases (gnomAD no frequency). Disruption of this splice site has been observed in individual(s) with mitochondrial trifunctional protein deficiency (PMID: 35433169). In at least one individual the data is consistent with being in trans (on the opposite chromosome) from a pathogenic variant. ClinVar contains an entry for this variant (Variation ID: 844215). Algorithms developed to predict the effect of sequence changes on RNA splicing suggest that this variant may disrupt the consensus splice site. For these reasons, this variant has been classified as Pathogenic.

Women's Health and Genetics/Laboratory Corporation of America, LabCorp
Classification: Likely pathogenic for Mitochondrial trifunctional protein deficiency. Last evaluated: 2022-12-14. Review status: criteria provided, single submitter. Criteria: LabCorp Variant Classification Summary - May 2015. Collection method: clinical testing. Allele origin: germline.
Comment: Variant summary: HADHB c.255-2A>G is located in a canonical splice-site and is predicted to affect mRNA splicing resulting in a significantly altered protein due to either exon skipping, shortening, or inclusion of intronic material. Several computational tools predict a significant impact on normal splicing: Four predict the variant abolishes a 3' acceptor site. However, these predictions have yet to be confirmed by functional studies. The variant was absent in 251374 control chromosomes (gnomAD v2.1, exomes dataset). To our knowledge, no occurrence of c.255-2A>G in individuals affected with Mitochondrial Trifunctional Protein Deficiency and no experimental evidence demonstrating its impact on protein function have been reported. One clinical diagnostic laboratory has submitted clinical-significance assessments for this variant to ClinVar after 2014, and classified the variant as likely pathogenic. Based on the evidence outlined above, the variant was classified as likely pathogenic.

Literature cited by the submitters: PubMed 16199547 (cited by Labcorp Genetics (formerly Invitae), Labcorp); PubMed 9259266 (cited by Labcorp Genetics (formerly Invitae), Labcorp); PubMed 12754706 (cited by Labcorp Genetics (formerly Invitae), Labcorp); PubMed 35433169 (cited by Labcorp Genetics (formerly Invitae), Labcorp).